The following is an entry in ClinVar:

ClinVar aggregate classification (germline): Benign/Likely benign. Review status: criteria provided, multiple submitters, no conflicts (2 of 4 stars). 3 submissions from 3 submitters: Benign (1); Likely benign (2). Last evaluated 2026-02-02.

Conditions:
Intellectual disability. Also called: Intellectual developmental disorder; Intellectual functioning disability; intellectual disabilities. Identifiers: MedGen C3714756, MeSH D008607, MONDO:0001071, HP:0001249.

Allele frequency attached by ClinVar (database versions not stated): gnomAD exomes 0.00005; ExAC 0.00007; gnomAD 0.00013 and 0.00014; ESP Exome Variant Server 0.00023; TOPMed 0.00023.
gnomAD v4.1: 139 of 1,613,452 alleles (0.0086%); highest among the groups gnomAD compares: Middle Eastern, 0.033%; no homozygotes.

Submissions (3):

Labcorp Genetics (formerly Invitae), Labcorp
Classification: Benign for Intellectual disability. Last evaluated: 2026-02-02. Review status: criteria provided, single submitter. Criteria: Invitae Variant Classification Sherloc (09022015). Collection method: clinical testing. Allele origin: germline.

CeGaT Center for Human Genetics Tuebingen
Classification: Likely benign. Last evaluated: 2025-06-01. Review status: criteria provided, single submitter. Criteria: CeGaT Center For Human Genetics Tuebingen Variant Classification Criteria Version 2. Collection method: clinical testing. Allele origin: germline. Affected: yes. Observed: 3 variant alleles.
Comment: GABRB2: BP4, BS2

GeneDx
Classification: Likely benign. Last evaluated: 2020-12-31. Review status: criteria provided, single submitter. Criteria: GeneDx Variant Classification Process June 2021. Collection method: clinical testing. Allele origin: germline. Affected: yes.

NM_001371727.1(GABRB2):c.1159C>T (p.Arg387Trp)

Gene: GABRB2 (gamma-aminobutyric acid type A receptor subunit beta2; minus strand). Cytogenetic location: 5q34.
Variant type: single nucleotide variant.
Coding change: c.1159C>T on transcript NM_001371727.1 (MANE Select); coding-DNA position 1159, C replaced by T.
Protein change: p.Arg387Trp; replaces arginine 387 with tryptophan.
Molecular consequence: missense variant. On other transcripts: intron variant (1).
Genome position (GRCh38, 1-based): chr5:161,326,400, G>A on the plus strand (C>T on the coding strand, the complement: GABRB2 is on the minus strand). VCF-style: chr5-161326400-G-A. GRCh37 (hg19) VCF-style: chr5-160753407-G-A.
Other names: c.1159C>T, p.Arg387Trp (NM_021911.3); c.1077+4483C>T (NM_000813.3); short protein forms R387W.
Identifiers: ClinVar variation 464936 (VCV000464936.53), dbSNP rs140795978, ClinGen allele CA3543396.